The following is an entry in ClinVar:

NM_000038.6(APC):c.180G>A (p.Met60Ile)

Gene: APC (APC regulator of Wnt signaling pathway; plus strand). Cytogenetic location: 5q22.2.
Variant type: single nucleotide variant.
Coding change: c.180G>A on transcript NM_000038.6 (MANE Select); coding-DNA position 180, G replaced by A.
Protein change: p.Met60Ile; replaces methionine 60 with isoleucine.
Molecular consequence: missense variant. On other transcripts: initiator codon variant (3), 5 prime UTR variant (1).
Genome position (GRCh38, 1-based): chr5:112,766,370, G>A. VCF-style: chr5-112766370-G-A. GRCh37 (hg19) VCF-style: chr5-112102067-G-A.
Other names: c.180G>A, p.Met60Ile (NM_001127510.3, NM_001354895.2, NM_001354896.2 and 2 more transcripts); c.210G>A, p.Met70Ile (NM_001127511.3, NM_001354897.2, NM_001354902.2); c.105G>A, p.Met35Ile (NM_001354898.2, NM_001354904.2); c.3G>A, p.Met1Ile (NM_001354900.2, NM_001354901.2, NM_001354905.2); c.-856G>A (NM_001354906.2); short protein forms M60I, M70I, M35I, M1I.
Identifiers: ClinVar variation 537464 (VCV000537464.11), dbSNP rs980662480, ClinGen allele CA16021741.

ClinVar aggregate classification (germline): Uncertain significance. Review status: criteria provided, multiple submitters, no conflicts (2 of 4 stars). 2 submissions from 2 submitters: Uncertain significance (2). Last evaluated 2026-01-13.

Conditions:
Hereditary cancer-predisposing syndrome. Also called: Tumor predisposition; Hereditary Cancer Syndrome; Hereditary neoplastic syndrome; Neoplastic Syndromes, Hereditary. Identifiers: Orphanet 140162, MedGen C0027672, MeSH D009386, MONDO:0015356.
Familial adenomatous polyposis 1 (FAP1). Also called: FAMILIAL ADENOMATOUS POLYPOSIS 1, ATTENUATED; POLYPOSIS, ADENOMATOUS INTESTINAL. Identifiers: MedGen C2713442, MONDO:0021056, OMIM 175100. Disease mechanism: loss of function.

Allele frequency attached by ClinVar (database versions not stated): gnomAD exomes below 0.00001; gnomAD 0.00001; TOPMed 0.00001.
gnomAD v4.1: 2 of 1,612,054 alleles (0.00012%); highest among the groups gnomAD compares: Non-Finnish European, 0.000085%; no homozygotes.

Submissions (2):

Labcorp Genetics (formerly Invitae), Labcorp
Classification: Uncertain significance for Familial adenomatous polyposis 1. Last evaluated: 2026-01-13. Review status: criteria provided, single submitter. Criteria: Invitae Variant Classification Sherloc (09022015). Collection method: clinical testing. Allele origin: germline.
Comment: This sequence change replaces methionine, which is neutral and non-polar, with isoleucine, which is neutral and non-polar, at codon 60 of the APC protein (p.Met60Ile). This variant is not present in population databases (gnomAD no frequency). This variant has not been reported in the literature in individuals affected with APC-related conditions. ClinVar contains an entry for this variant (Variation ID: 537464). Invitae Evidence Modeling of protein sequence and biophysical properties (such as structural, functional, and spatial information, amino acid conservation, physicochemical variation, residue mobility, and thermodynamic stability) indicates that this missense variant is not expected to disrupt APC protein function with a negative predictive value of 95%. In summary, the available evidence is currently insufficient to determine the role of this variant in disease. Therefore, it has been classified as a Variant of Uncertain Significance.

Ambry Genetics
Classification: Uncertain significance for Hereditary cancer-predisposing syndrome. Last evaluated: 2023-08-17. Review status: criteria provided, single submitter. Criteria: Ambry Variant Classification Scheme 2023. Collection method: clinical testing. Allele origin: germline.
Comment: The p.M60I variant (also known as c.180G>A), located in coding exon 2 of the APC gene, results from a G to A substitution at nucleotide position 180. The methionine at codon 60 is replaced by isoleucine, an amino acid with highly similar properties. This amino acid position is well conserved in available vertebrate species. In addition, in silico predictors for this gene do not accurately predict pathogenicity. Since supporting evidence is limited at this time, the clinical significance of this alteration remains unclear.